The following is an entry in ClinVar:

ClinVar aggregate classification (germline): Uncertain significance (1 of 4 stars; one submission).

Submission:

Labcorp Genetics (formerly Invitae), Labcorp
Classification: Uncertain significance. Last evaluated: 2022-03-10. Review status: criteria provided, single submitter. Criteria: Invitae Variant Classification Sherloc (09022015). Collection method: clinical testing. Allele origin: germline.
Comment: In summary, the available evidence is currently insufficient to determine the role of this variant in disease. Therefore, it has been classified as a Variant of Uncertain Significance. Algorithms developed to predict the effect of missense changes on protein structure and function (SIFT, PolyPhen-2, Align-GVGD) all suggest that this variant is likely to be tolerated. This variant has not been reported in the literature in individuals affected with SNRNP200-related conditions. This variant is not present in population databases (gnomAD no frequency). This sequence change replaces serine, which is neutral and polar, with glycine, which is neutral and non-polar, at codon 1637 of the SNRNP200 protein (p.Ser1637Gly).

NM_014014.5(SNRNP200):c.4909A>G (p.Ser1637Gly)

Gene: SNRNP200 (small nuclear ribonucleoprotein U5 subunit 200; minus strand). Cytogenetic location: 2q11.2.
Variant type: single nucleotide variant.
Coding change: c.4909A>G on transcript NM_014014.5 (MANE Select); coding-DNA position 4909, A replaced by G.
Protein change: p.Ser1637Gly; replaces serine 1637 with glycine.
Molecular consequence: missense variant.
Genome position (GRCh38, 1-based): chr2:96,283,207, T>C on the plus strand (A>G on the coding strand, the complement: SNRNP200 is on the minus strand). VCF-style: chr2-96283207-T-C. GRCh37 (hg19) VCF-style: chr2-96948945-T-C.
Other names: short protein forms S1637G.
Identifiers: ClinVar variation 1402909 (VCV001402909.8), dbSNP rs2104339231, ClinGen allele CA347662982.